The following is an entry in ClinVar:

ClinVar aggregate classification (germline): Uncertain significance. Review status: criteria provided, multiple submitters, no conflicts (2 of 4 stars). 2 submissions from 2 submitters: Uncertain significance (2). Last evaluated 2025-12-24.

Conditions:
Glycogen storage disease type X (GSD10). Also called: GSD X; MYOPATHY DUE TO PHOSPHOGLYCERATE MUTASE DEFICIENCY; PGAMM DEFICIENCY; PHOSPHOGLYCERATE MUTASE, MUSCLE, DEFICIENCY OF; Dimauro disease; Glycogen storage disease due to phosphoglycerate mutase deficiency. Identifiers: Orphanet 97234, MedGen C0268149, MONDO:0009865, OMIM 261670.
Inborn genetic diseases. Identifiers: MedGen C0950123, MeSH D030342.

gnomAD v4.1: 24 of 1,613,600 alleles (0.0015%); highest among the groups gnomAD compares: East Asian, 0.025%; no homozygotes.

Submissions (2):

Labcorp Genetics (formerly Invitae), Labcorp
Classification: Uncertain significance for Glycogen storage disease type X. Last evaluated: 2025-12-24. Review status: criteria provided, single submitter. Criteria: Invitae Variant Classification Sherloc (09022015). Collection method: clinical testing. Allele origin: germline.
Comment: This sequence change replaces arginine, which is basic and polar, with histidine, which is basic and polar, at codon 83 of the PGAM2 protein (p.Arg83His). This variant is present in population databases (rs139100874, gnomAD 0.02%). This variant has not been reported in the literature in individuals affected with PGAM2-related conditions. ClinVar contains an entry for this variant (Variation ID: 3417262). Invitae Evidence Modeling of protein sequence and biophysical properties (such as structural, functional, and spatial information, amino acid conservation, physicochemical variation, residue mobility, and thermodynamic stability) indicates that this missense variant is not expected to disrupt PGAM2 protein function with a negative predictive value of 80%. In summary, the available evidence is currently insufficient to determine the role of this variant in disease. Therefore, it has been classified as a Variant of Uncertain Significance.

Ambry Genetics
Classification: Uncertain significance for Inborn genetic diseases. Last evaluated: 2024-07-05. Review status: criteria provided, single submitter. Criteria: Ambry Variant Classification Scheme 2023. Collection method: clinical testing. Allele origin: germline.

NM_000290.4(PGAM2):c.248G>A (p.Arg83His)

Genes: DBNL (drebrin like; plus strand), PGAM2 (phosphoglycerate mutase 2; minus strand), LOC129998343 (ATAC-STARR-seq lymphoblastoid active region 25926; plus strand). Cytogenetic location: 7p13.
Variant type: single nucleotide variant.
Coding change: c.248G>A on transcript NM_000290.4 (MANE Select); coding-DNA position 248, G replaced by A.
Protein change: p.Arg83His; replaces arginine 83 with histidine.
Molecular consequence: missense variant. On other transcripts: 3 prime UTR variant (6).
Genome position (GRCh38, 1-based): chr7:44,065,282, C>T on the plus strand (G>A on the coding strand, the complement: PGAM2 is on the minus strand). VCF-style: chr7-44065282-C-T. GRCh37 (hg19) VCF-style: chr7-44104881-C-T.
Other names: c.*4366C>T (NM_001014436.3, NM_001122956.2, NM_001284313.2 and 3 more transcripts); short protein forms R83H.
Identifiers: ClinVar variation 3417262 (VCV003417262.2).